The following is an entry in ClinVar:

ClinVar aggregate classification (germline): Uncertain significance (1 of 4 stars; one submission).

Allele frequency attached by ClinVar (database versions not stated): TOPMed below 0.00001; gnomAD 0.00001.

Submission:

Labcorp Genetics (formerly Invitae), Labcorp
Classification: Uncertain significance. Last evaluated: 2022-06-13. Review status: criteria provided, single submitter. Criteria: Invitae Variant Classification Sherloc (09022015). Collection method: clinical testing. Allele origin: germline.
Comment: ClinVar contains an entry for this variant (Variation ID: 1050910). This sequence change replaces glutamic acid, which is acidic and polar, with lysine, which is basic and polar, at codon 36 of the RETREG1 protein (p.Glu36Lys). This variant is not present in population databases (gnomAD no frequency). This variant has not been reported in the literature in individuals affected with RETREG1-related conditions. Algorithms developed to predict the effect of missense changes on protein structure and function are either unavailable or do not agree on the potential impact of this missense change (SIFT: "Tolerated"; PolyPhen-2: "Not Available"; Align-GVGD: "Class C0"). In summary, the available evidence is currently insufficient to determine the role of this variant in disease. Therefore, it has been classified as a Variant of Uncertain Significance.

NM_001034850.3(RETREG1):c.106G>A (p.Glu36Lys)

Genes: RETREG1 (reticulophagy regulator 1; minus strand), RETREG1-AS1 (RETREG1 antisense RNA 1; plus strand), LOC129993734 (ATAC-STARR-seq lymphoblastoid silent region 15947; plus strand). Cytogenetic location: 5p15.1.
Variant type: single nucleotide variant.
Coding change: c.106G>A on transcript NM_001034850.3 (MANE Select); coding-DNA position 106, G replaced by A.
Protein change: p.Glu36Lys; replaces glutamic acid 36 with lysine.
Molecular consequence: missense variant.
Genome position (GRCh38, 1-based): chr5:16,616,866, C>T on the plus strand (G>A on the coding strand, the complement: RETREG1 is on the minus strand). VCF-style: chr5-16616866-C-T. GRCh37 (hg19) VCF-style: chr5-16616975-C-T.
Other names: short protein forms E36K.
Identifiers: ClinVar variation 1050910 (VCV001050910.9), dbSNP rs1743532128, ClinGen allele CA359293011.